The following is an entry in ClinVar:

NM_019074.4(DLL4):c.8C>T (p.Ala3Val)

Gene: DLL4 (delta like canonical Notch ligand 4; plus strand). Cytogenetic location: 15q15.1.
Variant type: single nucleotide variant.
Coding change: c.8C>T on transcript NM_019074.4 (MANE Select); coding-DNA position 8, C replaced by T.
Protein change: p.Ala3Val; replaces alanine 3 with valine.
Molecular consequence: missense variant.
Genome position (GRCh38, 1-based): chr15:40,929,676, C>T. VCF-style: chr15-40929676-C-T. GRCh37 (hg19) VCF-style: chr15-41221874-C-T.
Other names: short protein forms A3V.
Identifiers: ClinVar variation 4873826 (VCV004873826.2).
Genomic context (GRCh38, chr15:40,929,676, plus strand): 5'-GCGAACAGAGCCAGATTGAGGGCCCGCGGGTGGAGAGAGCGACGCCCGAGGGGATGGCGG[C>T]AGCGTCCCGGAGCGCCTCTGGCTGGGCGCTACTGCTGCTGGTGGCACTTTGGCAGCAGGT-3'
Protein context (NP_061947.1, residues 1-13): MA[Ala3Val]ASRSASGWAL

ClinVar aggregate classification (germline): Uncertain significance (1 of 4 stars; one submission).

Submission:

CeGaT Center for Human Genetics Tuebingen
Classification: Uncertain significance. Last evaluated: 2026-05-01. Review status: criteria provided, single submitter. Criteria: CeGaT Center For Human Genetics Tuebingen Variant Classification Criteria Version 2. Collection method: clinical testing. Allele origin: germline. Affected: yes. Observed: 1 variant allele.
Comment: DLL4: PM2, PP2, PS2:Supporting, BP4